The following is an entry in ClinVar:

ClinVar aggregate classification (germline): Uncertain significance (1 of 4 stars; one submission).

Allele frequency attached by ClinVar (database versions not stated): ExAC 0.00003; TOPMed below 0.00001; gnomAD 0.00002; gnomAD exomes below 0.00001.
gnomAD v4.1: 7 of 1,573,828 alleles (0.00044%); highest among the groups gnomAD compares: African/African-American, 0.0027%; no homozygotes.

Submission:

Labcorp Genetics (formerly Invitae), Labcorp
Classification: Uncertain significance. Last evaluated: 2023-08-04. Review status: criteria provided, single submitter. Criteria: Invitae Variant Classification Sherloc (09022015). Collection method: clinical testing. Allele origin: germline.
Comment: In summary, the available evidence is currently insufficient to determine the role of this variant in disease. Therefore, it has been classified as a Variant of Uncertain Significance. Advanced modeling of protein sequence and biophysical properties (such as structural, functional, and spatial information, amino acid conservation, physicochemical variation, residue mobility, and thermodynamic stability) performed at Invitae indicates that this missense variant is not expected to disrupt SRCAP protein function. ClinVar contains an entry for this variant (Variation ID: 1402839). This variant has not been reported in the literature in individuals affected with SRCAP-related conditions. The frequency data for this variant in the population databases is considered unreliable, as metrics indicate poor data quality at this position in the gnomAD database. This sequence change replaces arginine, which is basic and polar, with cysteine, which is neutral and slightly polar, at codon 3209 of the SRCAP protein (p.Arg3209Cys).

NM_006662.3(SRCAP):c.9625C>T (p.Arg3209Cys)

Gene: SRCAP (Snf2 related CREBBP activator protein; plus strand). Cytogenetic location: 16p11.2.
Variant type: single nucleotide variant.
Coding change: c.9625C>T on transcript NM_006662.3 (MANE Select); coding-DNA position 9625, C replaced by T.
Protein change: p.Arg3209Cys; replaces arginine 3209 with cysteine.
Molecular consequence: missense variant.
Genome position (GRCh38, 1-based): chr16:30,739,665, C>T. VCF-style: chr16-30739665-C-T. GRCh37 (hg19) VCF-style: chr16-30750986-C-T.
Other names: short protein forms R3209C.
Identifiers: ClinVar variation 1402839 (VCV001402839.8), dbSNP rs750009576, ClinGen allele CA8012967.